The following is an entry in ClinVar:

NM_000447.3(PSEN2):c.1164G>A (p.Thr388=)

Gene: PSEN2 (presenilin 2; plus strand). Cytogenetic location: 1q42.13.
Variant type: single nucleotide variant.
Coding change: c.1164G>A on transcript NM_000447.3 (MANE Select); coding-DNA position 1164, G replaced by A.
Protein change: p.Thr388=; no amino-acid change (threonine 388 retained).
Molecular consequence: synonymous variant.
Genome position (GRCh38, 1-based): chr1:226,894,098, G>A. VCF-style: chr1-226894098-G-A. GRCh37 (hg19) VCF-style: chr1-227081799-G-A.
Other names: c.1161G>A, p.Thr387= (NM_012486.3).
Identifiers: ClinVar variation 3771687 (VCV003771687.13).

ClinVar aggregate classification (germline): Likely benign (1 of 4 stars; one submission).

gnomAD v4.1: 17 of 1,614,056 alleles (0.0011%); highest among the groups gnomAD compares: East Asian, 0.0045%; no homozygotes.

Submission:

CeGaT Center for Human Genetics Tuebingen
Classification: Likely benign. Last evaluated: 2025-01-01. Review status: criteria provided, single submitter. Criteria: CeGaT Center For Human Genetics Tuebingen Variant Classification Criteria Version 2. Collection method: clinical testing. Allele origin: germline. Affected: yes. Observed: 1 variant allele.
Comment: PSEN2: BP4, BP7